The following is an entry in ClinVar:

NM_000214.3(JAG1):c.2087G>C (p.Gly696Ala)

Gene: JAG1 (jagged canonical Notch ligand 1; minus strand). Cytogenetic location: 20p12.2.
Variant type: single nucleotide variant.
Coding change: c.2087G>C on transcript NM_000214.3 (MANE Select); coding-DNA position 2087, G replaced by C.
Protein change: p.Gly696Ala; replaces glycine 696 with alanine.
Molecular consequence: missense variant.
Genome position (GRCh38, 1-based): chr20:10,645,382, C>G on the plus strand (G>C on the coding strand, the complement: JAG1 is on the minus strand). VCF-style: chr20-10645382-C-G. GRCh37 (hg19) VCF-style: chr20-10626030-C-G.
Other names: short protein forms G696A.
Identifiers: ClinVar variation 1448437 (VCV001448437.8), dbSNP rs780243244, ClinGen allele CA408235429.

ClinVar aggregate classification (germline): Uncertain significance (1 of 4 stars; one submission).

Conditions:
Alagille syndrome due to a JAG1 point mutation. Also called: Alagille Syndrome 1; JAG1-Related Alagille Syndrome; HEPATIC DUCTULAR HYPOPLASIA, SYNDROMATIC. Identifiers: Orphanet 261619, Orphanet 52, MedGen C1956125, MONDO:0016862, OMIM 118450.

Submission:

Labcorp Genetics (formerly Invitae), Labcorp
Classification: Uncertain significance for Alagille syndrome due to a JAG1 point mutation. Last evaluated: 2021-07-21. Review status: criteria provided, single submitter. Criteria: Invitae Variant Classification Sherloc (09022015). Collection method: clinical testing. Allele origin: germline.
Comment: In summary, the available evidence is currently insufficient to determine the role of this variant in disease. Therefore, it has been classified as a Variant of Uncertain Significance. Advanced modeling of protein sequence and biophysical properties (such as structural, functional, and spatial information, amino acid conservation, physicochemical variation, residue mobility, and thermodynamic stability) performed at Invitae indicates that this missense variant is expected to disrupt JAG1 protein function. This variant has not been reported in the literature in individuals affected with JAG1-related conditions. This variant is not present in population databases (ExAC no frequency). This sequence change replaces glycine with alanine at codon 696 of the JAG1 protein (p.Gly696Ala). The glycine residue is highly conserved and there is a small physicochemical difference between glycine and alanine.